The following is an entry in ClinVar:

NM_001367873.1(SOX6):c.1038del (p.Phe346fs)

Gene: SOX6 (SRY-box transcription factor 6; minus strand). Cytogenetic location: 11p15.2.
Variant type: Deletion.
Coding change: c.1038del on transcript NM_001367873.1 (MANE Select); coding-DNA position 1038, one base deleted (T; older notation c.1038delT).
Protein change: p.Phe346fs; shifts the reading frame from phenylalanine 346.
Molecular consequence: frameshift variant. On other transcripts: intron variant (3).
Genome position (GRCh38, 1-based): chr11:16,096,059, A deleted on the plus strand (T on the coding strand, the reverse complement: SOX6 is on the minus strand); the first of 4 consecutive A bases (chr11:16,096,059-16,096,062); deleting any one gives the same sequence. VCF-style (leftmost placement, unchanged base first): chr11-16096058-CA-C. GRCh37 (hg19) VCF-style: chr11-16117604-CA-C.
Other names: c.1038del, p.Phe346fs (NM_001145819.2, NM_033326.3); c.978+1550del (NM_001367872.1, NM_001145811.2, NM_017508.3); c.1038delT (NM_033326.3); short protein forms F346fs.
Identifiers: ClinVar variation 2209067 (VCV002209067.2), dbSNP rs2494271127, ClinGen allele CA2580082718.

ClinVar aggregate classification (germline): Pathogenic (1 of 4 stars; one submission).

Conditions:
Inborn genetic diseases. Identifiers: MedGen C0950123, MeSH D030342.

Submission:

Ambry Genetics
Classification: Pathogenic for Inborn genetic diseases. Last evaluated: 2021-02-10. Review status: criteria provided, single submitter. Criteria: Ambry Variant Classification Scheme 2023. Collection method: clinical testing. Allele origin: germline.
Comment: The c.1038delT (p.F346Lfs*58) alteration, located in exon 9 (coding exon 8) of the SOX6 gene, consists of a deletion of one nucleotide at position 1038, causing a translational frameshift with a predicted alternate stop codon after 58 amino acids. This alteration is expected to result in loss of function by premature protein truncation or nonsense-mediated mRNA decay. Based on data from the Genome Aggregation Database (gnomAD), the SOX6 c.1038delT alteration was not observed, with coverage at this position. Based on the available evidence, this alteration is classified as pathogenic.